The following is an entry in ClinVar:

ClinVar aggregate classification (germline): Uncertain significance. Review status: criteria provided, multiple submitters, no conflicts (2 of 4 stars). 2 submissions from 2 submitters: Uncertain significance (2). Last evaluated 2025-04-11.

Conditions:
Baller-Gerold syndrome (BGS). Also called: CRANIOSYNOSTOSIS WITH RADIAL DEFECTS. Identifiers: Orphanet 1225, MedGen C0265308, MONDO:0009039, OMIM 218600.
Inborn genetic diseases. Identifiers: MedGen C0950123, MeSH D030342.

Submissions (2):

Ambry Genetics
Classification: Uncertain significance for Inborn genetic diseases. Last evaluated: 2025-04-11. Review status: criteria provided, single submitter. Criteria: Ambry Variant Classification Scheme 2023. Collection method: clinical testing. Allele origin: germline.
Comment: The p.S679P variant (also known as c.2035T>C), located in coding exon 12 of the RECQL4 gene, results from a T to C substitution at nucleotide position 2035. The serine at codon 679 is replaced by proline, an amino acid with similar properties. This amino acid position is conserved. In addition, this alteration is predicted to be deleterious by in silico analysis. Based on the available evidence, the clinical significance of this variant remains unclear.

Labcorp Genetics (formerly Invitae), Labcorp
Classification: Uncertain significance for Baller-Gerold syndrome. Last evaluated: 2023-05-31. Review status: criteria provided, single submitter. Criteria: Invitae Variant Classification Sherloc (09022015). Collection method: clinical testing. Allele origin: germline.
Comment: In summary, the available evidence is currently insufficient to determine the role of this variant in disease. Therefore, it has been classified as a Variant of Uncertain Significance. Advanced modeling of protein sequence and biophysical properties (such as structural, functional, and spatial information, amino acid conservation, physicochemical variation, residue mobility, and thermodynamic stability) performed at Invitae indicates that this missense variant is expected to disrupt RECQL4 protein function. This variant has not been reported in the literature in individuals affected with RECQL4-related conditions. This variant is not present in population databases (gnomAD no frequency). This sequence change replaces serine, which is neutral and polar, with proline, which is neutral and non-polar, at codon 679 of the RECQL4 protein (p.Ser679Pro).

NM_004260.4(RECQL4):c.2035T>C (p.Ser679Pro)

Gene: RECQL4 (RecQ like helicase 4; minus strand). Cytogenetic location: 8q24.3.
Variant type: single nucleotide variant.
Coding change: c.2035T>C on transcript NM_004260.4 (MANE Select); coding-DNA position 2035, T replaced by C.
Protein change: p.Ser679Pro; replaces serine 679 with proline.
Molecular consequence: missense variant. On other transcripts: non-coding transcript variant (3).
Genome position (GRCh38, 1-based): chr8:144,513,951, A>G on the plus strand (T>C on the coding strand, the complement: RECQL4 is on the minus strand). VCF-style: chr8-144513951-A-G. GRCh37 (hg19) VCF-style: chr8-145739335-A-G.
Other names: c.1939T>C, p.Ser647Pro (NM_001413017.1, NM_001413020.1); c.2035T>C, p.Ser679Pro (NM_001413018.1, NM_001413019.1, NM_001413036.1); c.964T>C, p.Ser322Pro (NM_001413021.1, NM_001413022.1, NM_001413023.1 and 6 more transcripts); c.1906T>C, p.Ser636Pro (NM_001413025.1); c.898T>C, p.Ser300Pro (NM_001413027.1, NM_001413030.1, NM_001413032.1 and 1 more transcripts); c.1684T>C, p.Ser562Pro (NM_001413029.1); c.766T>C, p.Ser256Pro (NM_001413031.1); c.934T>C, p.Ser312Pro (NM_001413042.1); and 5 more; short protein forms S322P, S636P, S669P, S679P, S190P, S256P, S278P, S300P.
Identifiers: ClinVar variation 2741289 (VCV002741289.4), dbSNP rs1361166623, ClinGen allele CA372680267.